The following is an entry in ClinVar:

NM_002718.5(PPP2R3A):c.1913C>T (p.Ser638Leu)

Gene: PPP2R3A (protein phosphatase 2 regulatory subunit B''alpha; plus strand). Cytogenetic location: 3q22.3.
Variant type: single nucleotide variant.
Coding change: c.1913C>T on transcript NM_002718.5 (MANE Select); coding-DNA position 1913, C replaced by T.
Protein change: p.Ser638Leu; replaces serine 638 with leucine.
Molecular consequence: missense variant. On other transcripts: intron variant (1).
Genome position (GRCh38, 1-based): chr3:136,003,411, C>T. VCF-style: chr3-136003411-C-T. GRCh37 (hg19) VCF-style: chr3-135722253-C-T.
Other names: c.-213-23421C>T (NM_001190447.2); short protein forms S638L.
Identifiers: ClinVar variation 3043598 (VCV003043598.2), dbSNP rs141649812, ClinGen allele CA2630654.

ClinVar aggregate classification (germline): Benign (0 of 4 stars; one submission).

Conditions:
PPP2R3A-related disorder. Also called: PPP2R3A-related condition.

Allele frequency attached by ClinVar (database versions not stated): ESP Exome Variant Server 0.00008; gnomAD exomes 0.00029; gnomAD 0.00055; TOPMed 0.00070; ExAC 0.00122; 1000 Genomes Project 30x 0.00219; 1000 Genomes Project 0.00240.
gnomAD v4.1: 557 of 1,613,938 alleles (0.035%); highest among the groups gnomAD compares: East Asian, 1%; 3 homozygotes.

Submission:

PreventionGenetics, part of Exact Sciences
Classification: Benign for PPP2R3A-related condition. Last evaluated: 2019-08-15. Review status: no assertion criteria provided. Collection method: clinical testing. Allele origin: germline.
Comment: This variant is classified as benign based on ACMG/AMP sequence variant interpretation guidelines (Richards et al. 2015 PMID: 25741868, with internal and published modifications).